The following is an entry in ClinVar:

ClinVar aggregate classification (germline): Uncertain significance. Review status: criteria provided, multiple submitters, no conflicts (2 of 4 stars). 7 submissions from 7 submitters: Uncertain significance (6). 1 of the submissions does not count toward it. Last evaluated 2022-04-15.

Conditions:
Inborn genetic diseases. Identifiers: MedGen C0950123, MeSH D030342.
Autism, susceptibility to, 15. Also called: Autism susceptibility 15. Identifiers: MedGen C2677504, MONDO:0012801, OMIM 612100.
Cortical dysplasia-focal epilepsy syndrome (PTHSL1). Also called: Pitt-Hopkins-like syndrome 1. Identifiers: Orphanet 163681, Orphanet 221150, MedGen C2750246, MONDO:0012400, OMIM 610042.
CNTNAP2-related disorder. Also called: CNTNAP2-related condition.

Allele frequency attached by ClinVar (database versions not stated): ExAC 0.00003; TOPMed 0.00003; gnomAD exomes 0.00004 and 0.00005; gnomAD 0.00007.
gnomAD v4.1: 67 of 1,613,396 alleles (0.0042%); highest among the groups gnomAD compares: East Asian, 0.02%; no homozygotes.

Submissions (7):

Labcorp Genetics (formerly Invitae), Labcorp
Classification: Uncertain significance for Cortical dysplasia-focal epilepsy syndrome. Last evaluated: 2022-04-15. Review status: criteria provided, single submitter. Criteria: Invitae Variant Classification Sherloc (09022015). Collection method: clinical testing. Allele origin: germline.
Comment: This sequence change replaces threonine, which is neutral and polar, with methionine, which is neutral and non-polar, at codon 218 of the CNTNAP2 protein (p.Thr218Met). This variant is present in population databases (rs771028883, gnomAD 0.03%). This variant has not been reported in the literature in individuals affected with CNTNAP2-related conditions. ClinVar contains an entry for this variant (Variation ID: 205310). Algorithms developed to predict the effect of missense changes on protein structure and function are either unavailable or do not agree on the potential impact of this missense change (SIFT: "Deleterious"; PolyPhen-2: "Probably Damaging"; Align-GVGD: "Class C0"). In summary, the available evidence is currently insufficient to determine the role of this variant in disease. Therefore, it has been classified as a Variant of Uncertain Significance.

Fulgent Genetics
Classification: Uncertain significance for Cortical dysplasia-focal epilepsy syndrome; Autism, susceptibility to, 15. Last evaluated: 2018-10-31. Review status: criteria provided, single submitter. Criteria: ACMG Guidelines, 2015. Collection method: clinical testing. Allele origin: unknown.

Eurofins Ntd Llc (ga)
Classification: Uncertain significance. Last evaluated: 2018-06-28. Review status: criteria provided, single submitter. Criteria: EGL ClinVar v180209 classification definitions. Collection method: clinical testing. Allele origin: germline. Observed: 1 variant allele, 1 heterozygote.

Ambry Genetics
Classification: Uncertain significance for Inborn genetic diseases. Last evaluated: 2017-03-31. Review status: criteria provided, single submitter. Criteria: Ambry Variant Classification Scheme 2023. Collection method: clinical testing. Allele origin: germline.
Comment: The p.T218M variant (also known as c.653C>T), located in coding exon 5 of the CNTNAP2 gene, results from a C to T substitution at nucleotide position 653. The threonine at codon 218 is replaced by methionine, an amino acid with similar properties. This amino acid position is highly conserved in available vertebrate species. In addition, the in silico prediction for this alteration is inconclusive. Since supporting evidence is limited at this time, the clinical significance of this alteration remains unclear.

Genetic Services Laboratory, University of Chicago
Classification: Uncertain significance. Last evaluated: 2015-03-16. Review status: criteria provided, single submitter. Criteria: ACMG Guidelines, 2015. Collection method: clinical testing. Allele origin: germline.

GeneDx
Classification: Uncertain significance. Last evaluated: 2014-07-31. Review status: criteria provided, single submitter. Criteria: GeneDx Variant Classification (06012015). Collection method: clinical testing. Allele origin: germline. Affected: yes.
Comment: p.Thr218Met (ACG>ATG): c.653 C>T in exon 5 of the CNTNAP2 gene (NM_014141.5). The T218M variant has not been published as a mutation, nor has it been reported as a benign polymorphism to our knowledge. It was not observed in approximately 6,500 individuals of European and African American ancestry in the NHLBI Exome Sequencing Project, indicating it is not a common benign variant in these populations. The T218M variant is a non-conservative amino acid substitution, which is likely to impact secondary protein structure as these residues differ in polarity, charge, size and/or other properties. This substitution occurs at a position that is conserved across species. In silico analysis is inconsistent in its predictions as to whether or not the variant is damaging to the protein structure/function. Therefore, based on the currently available information, it is unclear whether this variant is a pathogenic mutation or a rare benign variant. The variant is found in CHILD-EPI,INFANT-EPI panel(s).

PreventionGenetics, part of Exact Sciences
Classification: Uncertain significance for CNTNAP2-related condition. Last evaluated: 2024-04-09. Review status: no assertion criteria provided. Collection method: clinical testing. Allele origin: germline. Not counted in ClinVar's aggregate classification.
Comment: The CNTNAP2 c.653C>T variant is predicted to result in the amino acid substitution p.Thr218Met. To our knowledge, this variant has not been reported in the literature in individuals with CNTNAP2-related disorders. This variant is reported in 0.035% of alleles in individuals of East Asian descent in gnomAD. At this time, the clinical significance of this variant is uncertain due to the absence of conclusive functional and genetic evidence.

NM_014141.6(CNTNAP2):c.653C>T (p.Thr218Met)

Gene: CNTNAP2 (contactin associated protein 2; plus strand). Cytogenetic location: 7q35.
Variant type: single nucleotide variant.
Coding change: c.653C>T on transcript NM_014141.6 (MANE Select); coding-DNA position 653, C replaced by T.
Protein change: p.Thr218Met; replaces threonine 218 with methionine.
Molecular consequence: missense variant.
Genome position (GRCh38, 1-based): chr7:147,108,249, C>T. VCF-style: chr7-147108249-C-T. GRCh37 (hg19) VCF-style: chr7-146805341-C-T.
Other names: p.T218M:ACG>ATG; short protein forms T218M.
Identifiers: ClinVar variation 205310 (VCV000205310.21), dbSNP rs771028883, ClinGen allele CA314253.